The following is an entry in ClinVar:

ClinVar aggregate classification (germline): Pathogenic. Review status: criteria provided, multiple submitters, no conflicts (2 of 4 stars). 2 submissions from 2 submitters: Pathogenic (2). Last evaluated 2023-12-06.

Conditions:
Breast-ovarian cancer, familial, susceptibility to, 1 (BROVCA1). Also called: BRCA1 Hereditary Breast and Ovarian Cancer; OVARIAN CANCER, SUSCEPTIBILITY TO. Identifiers: Orphanet 145, MedGen C2676676, MONDO:0011450, OMIM 604370. Disease mechanism: loss of function.
Hereditary cancer-predisposing syndrome. Also called: Hereditary Cancer Syndrome; Hereditary neoplastic syndrome; Neoplastic Syndromes, Hereditary; Tumor predisposition. Identifiers: Orphanet 140162, MedGen C0027672, MeSH D009386, MONDO:0015356.

Submissions (2):

Ambry Genetics
Classification: Pathogenic for Hereditary cancer-predisposing syndrome. Last evaluated: 2023-12-06. Review status: criteria provided, single submitter. Criteria: Ambry Variant Classification Scheme 2023. Collection method: clinical testing. Allele origin: germline.
Comment: The c.870_871insAC pathogenic mutation, located in coding exon 9 of the BRCA1 gene, results from an insertion of two nucleotides at positions 870 and 871, causing a translational frameshift with a predicted alternate stop codon (p.L291Tfs*8). This alteration is expected to result in loss of function by premature protein truncation or nonsense-mediated mRNA decay. As such, this alteration is interpreted as a disease-causing mutation.

Myriad Genetics, Inc.
Classification: Pathogenic for Breast-ovarian cancer, familial, susceptibility to, 1. Last evaluated: 2023-02-08. Review status: criteria provided, single submitter. Criteria: Myriad Autosomal Dominant, Autosomal Recessive and X-Linked Classification Criteria (2023). Collection method: clinical testing. Allele origin: unknown.
Comment: This variant is considered pathogenic. This variant creates a frameshift predicted to result in premature protein truncation.

NM_007294.4(BRCA1):c.870_871insAC (p.Leu291fs)

Gene: BRCA1 (BRCA1 DNA repair associated; minus strand). Cytogenetic location: 17q21.31.
Variant type: Insertion.
Coding change: c.870_871insAC on transcript NM_007294.4 (MANE Select); coding-DNA positions 870 to 871, AC inserted.
Protein change: p.Leu291fs; shifts the reading frame from leucine 291.
Molecular consequence: frameshift variant. On other transcripts: 5 prime UTR variant (2), intron variant (137).
Genome position: GRCh38 VCF-style: chr17-43094660-A-AGT. GRCh37 (hg19) VCF-style: chr17-41246677-A-AGT.
Other names: c.606_607insAC, p.Leu203fs (NM_001407935.1, NM_001407925.1, NM_001407926.1 and 9 more transcripts); c.603_604insAC, p.Leu202fs (NM_001407936.1, NM_001407934.1, NM_001407930.1 and 2 more transcripts); c.747_748insAC, p.Leu250fs (NM_001407937.1, NM_001407938.1, NM_001407939.1 and 19 more transcripts); c.744_745insAC, p.Leu249fs (NM_001407940.1, NM_001407941.1, NM_001407649.1 and 11 more transcripts); c.729_730insAC, p.Leu244fs (NM_001407942.1, NM_007297.4, NM_001407694.1 and 29 more transcripts); c.657_658insAC, p.Leu220fs (NM_001407571.1, NM_001407853.1, NM_001407894.1 and 9 more transcripts); c.870_871insAC, p.Leu291fs (NM_001407581.1, NM_001407582.1, NM_001407583.1 and 30 more transcripts); c.867_868insAC, p.Leu290fs (NM_001407587.1, NM_001407590.1, NM_001407591.1 and 22 more transcripts); and 40 more; short protein forms L123fs, L163fs, L164fs, L179fs, L180fs, L202fs, L203fs, L220fs.
Identifiers: ClinVar variation 2573301 (VCV002573301.2), dbSNP rs2552228129, ClinGen allele CA2580612629.